The following is an entry in ClinVar:

ClinVar aggregate classification (germline): Conflicting classifications of pathogenicity. Review status: criteria provided, conflicting classifications (1 of 4 stars). 5 submissions from 5 submitters: Uncertain significance (3); Likely benign (2). Last evaluated 2025-09-30.

Conditions:
KIAA0586-related disorder. Also called: KIAA0586-related condition; KIAA0586- Related disorders.
Joubert syndrome 23 (JBTS23). Identifiers: Orphanet 475, MedGen C4084822, MONDO:0014664, OMIM 616490.
Short-rib thoracic dysplasia 14 with polydactyly (SRTD14). Identifiers: Orphanet 397715, MedGen C4225286, MONDO:0014688, OMIM 616546.

Allele frequency attached by ClinVar (database versions not stated): TOPMed 0.00028; gnomAD exomes 0.00031 and 0.00043; gnomAD 0.00036 and 0.00039; ESP Exome Variant Server 0.00051; ExAC 0.00084.
gnomAD v4.1: 605 of 1,485,452 alleles (0.041%); highest among the groups gnomAD compares: Non-Finnish European, 0.051%; 1 homozygote.

Submissions (5):

GeneDx
Classification: Uncertain significance. Last evaluated: 2025-09-30. Review status: criteria provided, single submitter. Criteria: GeneDx Variant Classification Process June 2021. Collection method: clinical testing. Allele origin: germline. Affected: yes.
Comment: In silico analysis supports that this missense variant has a deleterious effect on protein structure/function; Has not been previously published as pathogenic or benign to our knowledge

Blueprint Genetics
Classification: Likely benign. Last evaluated: 2024-10-18. Review status: criteria provided, single submitter. Criteria: ACMG Guidelines, 2015. Collection method: clinical testing. Allele origin: germline.

CeGaT Center for Human Genetics Tuebingen
Classification: Likely benign. Last evaluated: 2024-02-01. Review status: criteria provided, single submitter. Criteria: CeGaT Center For Human Genetics Tuebingen Variant Classification Criteria Version 2. Collection method: clinical testing. Allele origin: germline. Affected: yes. Observed: 1 variant allele.
Comment: KIAA0586: BP4

Labcorp Genetics (formerly Invitae), Labcorp
Classification: Uncertain significance for Joubert syndrome 23; Short-rib thoracic dysplasia 14 with polydactyly. Last evaluated: 2022-10-26. Review status: criteria provided, single submitter. Criteria: Invitae Variant Classification Sherloc (09022015). Collection method: clinical testing. Allele origin: germline.
Comment: This sequence change replaces tyrosine, which is neutral and polar, with cysteine, which is neutral and slightly polar, at codon 1495 of the KIAA0586 protein (p.Tyr1495Cys). This variant is present in population databases (rs200127338, gnomAD 0.06%). This variant has not been reported in the literature in individuals affected with KIAA0586-related conditions. ClinVar contains an entry for this variant (Variation ID: 1326522). Algorithms developed to predict the effect of missense changes on protein structure and function output the following: SIFT: "Tolerated"; PolyPhen-2: "Benign"; Align-GVGD: "Class C0". The cysteine amino acid residue is found in multiple mammalian species, which suggests that this missense change does not adversely affect protein function. In summary, the available evidence is currently insufficient to determine the role of this variant in disease. Therefore, it has been classified as a Variant of Uncertain Significance.

PreventionGenetics, part of Exact Sciences
Classification: Uncertain significance for KIAA0586-related condition. Last evaluated: 2022-10-19. Review status: criteria provided, single submitter. Criteria: ACMG Guidelines, 2015. Collection method: clinical testing. Allele origin: germline.
Comment: The KIAA0586 c.4484A>G variant is predicted to result in the amino acid substitution p.Tyr1495Cys. To our knowledge, this variant has not been reported in the literature. This variant is reported in 0.065% of alleles in individuals of European (Non-Finnish) descent in gnomAD. Although we suspect that this variant may be benign, at this time, the clinical significance of this variant is uncertain due to the absence of conclusive functional and genetic evidence.

NM_001329943.3(KIAA0586):c.4325A>G (p.Tyr1442Cys)

Gene: KIAA0586 (KIAA0586; plus strand). Cytogenetic location: 14q23.1.
Variant type: single nucleotide variant.
Coding change: c.4325A>G on transcript NM_001329943.3 (MANE Select); coding-DNA position 4325, A replaced by G.
Protein change: p.Tyr1442Cys; replaces tyrosine 1442 with cysteine.
Molecular consequence: missense variant.
Genome position (GRCh38, 1-based): chr14:58,512,523, A>G. VCF-style: chr14-58512523-A-G. GRCh37 (hg19) VCF-style: chr14-58979241-A-G.
Other names: c.4484A>G, p.Tyr1495Cys (NM_001244189.2); c.4280A>G, p.Tyr1427Cys (NM_001244190.2); c.4070A>G, p.Tyr1357Cys (NM_001244191.2, NM_001329945.2, NM_001364700.1 and 1 more transcripts); c.4193A>G, p.Tyr1398Cys (NM_001244192.2, NM_001329947.2); c.3905A>G, p.Tyr1302Cys (NM_001244193.2); c.4325A>G, p.Tyr1442Cys (NM_001329944.2, NM_001329946.2); c.4097A>G, p.Tyr1366Cys (NM_014749.5); short protein forms Y1302C, Y1357C, Y1366C, Y1398C, Y1427C, Y1442C, Y1495C.
Identifiers: ClinVar variation 1326522 (VCV001326522.32), dbSNP rs200127338, ClinGen allele CA7206373.